The following is an entry in ClinVar:

NM_024923.4(NUP210):c.2197C>A (p.Pro733Thr)

Gene: NUP210 (nucleoporin 210; minus strand). Cytogenetic location: 3p25.1.
Variant type: single nucleotide variant.
Coding change: c.2197C>A on transcript NM_024923.4 (MANE Select); coding-DNA position 2197, C replaced by A.
Protein change: p.Pro733Thr; replaces proline 733 with threonine.
Molecular consequence: missense variant.
Genome position (GRCh38, 1-based): chr3:13,358,353, G>T on the plus strand (C>A on the coding strand, the complement: NUP210 is on the minus strand). VCF-style: chr3-13358353-G-T. GRCh37 (hg19) VCF-style: chr3-13399853-G-T.
Other names: short protein forms P733T.
Identifiers: ClinVar variation 3055134 (VCV003055134.2), dbSNP rs201136314, ClinGen allele CA2263945.
Genomic context (GRCh38, chr3:13,358,353, plus strand): 5'-TGAGCCTGGACGGTGGGGCGCAGACGAACTTCACCACGGCAGGCTCCACCGCAGGAAAGG[G>T]GTTGGTGAGGCTGGGCTTGTTCCCCACCGACAGGGCGATGACCTGGTAGGGCACAGTGAA-3'
Protein context (NP_079199.2, residues 723-743): SVGNKPSLTN[Pro733Thr]FPAVEPAVVK

ClinVar aggregate classification (germline): Likely benign (0 of 4 stars; one submission).

Conditions:
NUP210-related disorder. Also called: NUP210-related condition.

Allele frequency attached by ClinVar (database versions not stated): gnomAD exomes 0.00008; gnomAD 0.00011; TOPMed 0.00011; ExAC 0.00028; 1000 Genomes Project 0.00060; 1000 Genomes Project 30x 0.00062.
gnomAD v4.1: 142 of 1,613,792 alleles (0.0088%); highest among the groups gnomAD compares: East Asian, 0.29%; no homozygotes.

Submission:

PreventionGenetics, part of Exact Sciences
Classification: Likely benign for NUP210-related condition. Last evaluated: 2022-03-15. Review status: no assertion criteria provided. Collection method: clinical testing. Allele origin: germline.
Comment: This variant is classified as likely benign based on ACMG/AMP sequence variant interpretation guidelines (Richards et al. 2015 PMID: 25741868, with internal and published modifications).